The following is an entry in ClinVar:

ClinVar aggregate classification (germline): Uncertain significance. Review status: criteria provided, multiple submitters, no conflicts (2 of 4 stars). 3 submissions from 3 submitters: Uncertain significance (3). Last evaluated 2025-05-16.

Conditions:
Inborn genetic diseases. Identifiers: MedGen C0950123, MeSH D030342.

Allele frequency attached by ClinVar (database versions not stated): ExAC 0.00001; TOPMed 0.00005; gnomAD exomes below 0.00001; gnomAD 0.00004 and 0.00003.

Submissions (3):

Labcorp Genetics (formerly Invitae), Labcorp
Classification: Uncertain significance. Last evaluated: 2025-05-16. Review status: criteria provided, single submitter. Criteria: Invitae Variant Classification Sherloc (09022015). Collection method: clinical testing. Allele origin: germline.
Comment: This sequence change replaces methionine, which is neutral and non-polar, with valine, which is neutral and non-polar, at codon 1206 of the SPEG protein (p.Met1206Val). This variant is present in population databases (rs764257690, gnomAD 0.004%). This variant has not been reported in the literature in individuals affected with SPEG-related conditions. ClinVar contains an entry for this variant (Variation ID: 1308552). An algorithm developed to predict the effect of missense changes on protein structure and function outputs the following: PolyPhen-2: "Benign". The valine amino acid residue is found in multiple mammalian species, which suggests that this missense change does not adversely affect protein function. In summary, the available evidence is currently insufficient to determine the role of this variant in disease. Therefore, it has been classified as a Variant of Uncertain Significance.

Ambry Genetics
Classification: Uncertain significance for Inborn genetic diseases. Last evaluated: 2024-10-29. Review status: criteria provided, single submitter. Criteria: Ambry Variant Classification Scheme 2023. Collection method: clinical testing. Allele origin: germline.

GeneDx
Classification: Uncertain significance. Last evaluated: 2019-04-16. Review status: criteria provided, single submitter. Criteria: GeneDx Variant Classification Process June 2021. Collection method: clinical testing. Allele origin: germline. Affected: yes.
Comment: In silico analysis, which includes protein predictors and evolutionary conservation, supports that this variant does not alter protein structure/function; Has not been previously published as pathogenic or benign to our knowledge

NM_005876.5(SPEG):c.3616A>G (p.Met1206Val)

Gene: SPEG (striated muscle enriched protein kinase; plus strand). Cytogenetic location: 2q35.
Variant type: single nucleotide variant.
Coding change: c.3616A>G on transcript NM_005876.5 (MANE Select); coding-DNA position 3616, A replaced by G.
Protein change: p.Met1206Val; replaces methionine 1206 with valine.
Molecular consequence: missense variant.
Genome position (GRCh38, 1-based): chr2:219,469,280, A>G. VCF-style: chr2-219469280-A-G. GRCh37 (hg19) VCF-style: chr2-220334002-A-G.
Other names: short protein forms M1206V.
Identifiers: ClinVar variation 1308552 (VCV001308552.5), dbSNP rs764257690, ClinGen allele CA2126221.